The following is an entry in ClinVar:

ClinVar aggregate classification (germline): Uncertain significance (1 of 4 stars; one submission).

Conditions:
ERBIN-related disorder. Also called: ERBIN-related condition.

Submission:

PreventionGenetics, part of Exact Sciences
Classification: Uncertain significance for ERBIN-related condition. Last evaluated: 2025-01-05. Review status: criteria provided, single submitter. Criteria: ACMG Guidelines, 2015. Collection method: clinical testing. Allele origin: germline.
Comment: The ERBIN c.1537G>A variant is predicted to result in the amino acid substitution p.Asp513Asn. To our knowledge, this variant has not been reported in the literature or in a large population database (gnomAD), indicating this variant is rare. At this time, the clinical significance of this variant is uncertain due to the absence of conclusive functional and genetic evidence.

NM_001253697.2(ERBIN):c.1537G>A (p.Asp513Asn)

Gene: ERBIN (erbb2 interacting protein; plus strand). Cytogenetic location: 5q12.3.
Variant type: single nucleotide variant.
Coding change: c.1537G>A on transcript NM_001253697.2 (MANE Select); coding-DNA position 1537, G replaced by A.
Protein change: p.Asp513Asn; replaces aspartic acid 513 with asparagine.
Molecular consequence: missense variant.
Genome position (GRCh38, 1-based): chr5:66,044,245, G>A. VCF-style: chr5-66044245-G-A. GRCh37 (hg19) VCF-style: chr5-65340073-G-A.
Other names: c.1537G>A, p.Asp513Asn (NM_001006600.3, NM_001253698.2, NM_001253699.2 and 2 more transcripts); short protein forms D513N.
Identifiers: ClinVar variation 4999146 (VCV004999146.1).